The following is an entry in ClinVar:

NM_000059.4(BRCA2):c.8651del (p.Tyr2884fs)

Gene: BRCA2 (BRCA2 DNA repair associated; plus strand). Cytogenetic location: 13q13.1.
Variant type: Deletion.
Coding change: c.8651del on transcript NM_000059.4 (MANE Select); coding-DNA position 8651, one base deleted (A; older notation c.8651delA).
Protein change: p.Tyr2884fs; shifts the reading frame from tyrosine 2884.
Molecular consequence: frameshift variant. On other transcripts: non-coding transcript variant (1).
Genome position (GRCh38, 1-based): chr13:32,376,688, A deleted. VCF-style (leftmost placement, unchanged base first): chr13-32376687-TA-T. GRCh37 (hg19) VCF-style: chr13-32950824-TA-T.
Other names: c.8555del, p.Tyr2852fs (NM_001406719.1); c.8651del, p.Tyr2884fs (NM_001406720.1, NM_001432077.1); c.3719del, p.Tyr1240fs (NM_001406721.1); c.2234del, p.Tyr745fs (NM_001406722.1); short protein forms Y2884fs, Y2852fs, Y1240fs, Y745fs.
Identifiers: ClinVar variation 3655952 (VCV003655952.2).

ClinVar aggregate classification (germline): Pathogenic (1 of 4 stars; one submission).

Conditions:
Hereditary breast ovarian cancer syndrome. Also called: BRCA1- and BRCA2-Associated Hereditary Breast and Ovarian Cancer; Breast and ovarian cancer; Hereditary breast and ovarian cancer syndrome (HBOC); Hereditary breast and ovarian cancer syndrome; Hereditary breast and/or ovarian cancer syndrome; Hereditary breast and ovarian cancer. Identifiers: Orphanet 145, MedGen C0677776, MeSH D061325, MONDO:0003582. Disease mechanism: loss of function.

Submission:

Labcorp Genetics (formerly Invitae), Labcorp
Classification: Pathogenic for Hereditary breast ovarian cancer syndrome. Last evaluated: 2024-06-10. Review status: criteria provided, single submitter. Criteria: Invitae Variant Classification Sherloc (09022015). Collection method: clinical testing. Allele origin: germline.
Comment: This sequence change creates a premature translational stop signal (p.Tyr2884Phefs*7) in the BRCA2 gene. It is expected to result in an absent or disrupted protein product. Loss-of-function variants in BRCA2 are known to be pathogenic (PMID: 20104584). This variant is not present in population databases (gnomAD no frequency). This variant has not been reported in the literature in individuals affected with BRCA2-related conditions. For these reasons, this variant has been classified as Pathogenic.

Literature cited by the submitters: PubMed 20104584.